The following is an entry in ClinVar:

ClinVar aggregate classification (germline): Uncertain significance (1 of 4 stars; one submission).

Conditions:
Early-onset Parkinson disease 20. Also called: PARKINSON DISEASE 20, AUTOSOMAL RECESSIVE EARLY-ONSET. Identifiers: Orphanet 391411, MedGen C3809824, MONDO:0014233, OMIM 615530.
Developmental and epileptic encephalopathy, 53. Also called: Epileptic encephalopathy, early infantile, 53. Identifiers: MedGen C4479313, MONDO:0033362, OMIM 617389.

Allele frequency attached by ClinVar (database versions not stated): TOPMed below 0.00001; gnomAD 0.00001; gnomAD exomes below 0.00001.
gnomAD v4.1: 4 of 1,489,322 alleles (0.00027%); highest among the groups gnomAD compares: Non-Finnish European, 0.00036%; no homozygotes.

Submission:

Labcorp Genetics (formerly Invitae), Labcorp
Classification: Uncertain significance for Developmental and epileptic encephalopathy, 53; Early-onset Parkinson disease 20. Last evaluated: 2021-09-01. Review status: criteria provided, single submitter. Criteria: Invitae Variant Classification Sherloc (09022015). Collection method: clinical testing. Allele origin: germline.
Comment: This sequence change replaces threonine with proline at codon 327 of the SYNJ1 protein (p.Thr327Pro). The threonine residue is moderately conserved and there is a small physicochemical difference between threonine and proline. This variant is not present in population databases (ExAC no frequency). This variant has not been reported in the literature in individuals affected with SYNJ1-related conditions. Algorithms developed to predict the effect of missense changes on protein structure and function are either unavailable or do not agree on the potential impact of this missense change (SIFT: "Tolerated"; PolyPhen-2: "Probably Damaging"; Align-GVGD: "Class C0"). In summary, the available evidence is currently insufficient to determine the role of this variant in disease. Therefore, it has been classified as a Variant of Uncertain Significance.

NM_203446.3(SYNJ1):c.862A>C (p.Thr288Pro)

Gene: SYNJ1 (synaptojanin 1; minus strand). Cytogenetic location: 21q22.11.
Variant type: single nucleotide variant.
Coding change: c.862A>C on transcript NM_203446.3 (MANE Select); coding-DNA position 862, A replaced by C.
Protein change: p.Thr288Pro; replaces threonine 288 with proline.
Molecular consequence: missense variant.
Genome position (GRCh38, 1-based): chr21:32,687,064, T>G on the plus strand (A>C on the coding strand, the complement: SYNJ1 is on the minus strand). VCF-style: chr21-32687064-T-G. GRCh37 (hg19) VCF-style: chr21-34059374-T-G.
Other names: c.862A>C, p.Thr288Pro (NM_001160302.2, NM_001160306.2); c.979A>C, p.Thr327Pro (NM_003895.4); short protein forms T288P, T327P.
Identifiers: ClinVar variation 936901 (VCV000936901.7), dbSNP rs571120951, ClinGen allele CA319448279.
Genomic context (GRCh38, chr21:32,687,064, plus strand): 5'-CACCTTCCTTAGATCCAAGCAAATTTACTATTATTTGTTTACCATATAAGTTCTTAAGTG[T>G]TCTAAAATGCCTATTTAAGAAAGAAAGGAAATAAATACATGTCAAATAAGAAGCCCAATT-3'
Protein context (NP_982271.3, residues 278-298): NAPAFDRHFR[Thr288Pro]LKNLYGKQII